The following is an entry in ClinVar:

NM_022464.5(SIL1):c.394A>G (p.Lys132Glu)

Gene: SIL1 (SIL1 nucleotide exchange factor; minus strand). Cytogenetic location: 5q31.2.
Variant type: single nucleotide variant.
Coding change: c.394A>G on transcript NM_022464.5 (MANE Select); coding-DNA position 394, A replaced by G.
Protein change: p.Lys132Glu; replaces lysine 132 with glutamic acid.
Molecular consequence: missense variant.
Genome position (GRCh38, 1-based): chr5:139,042,679, T>C on the plus strand (A>G on the coding strand, the complement: SIL1 is on the minus strand). VCF-style: chr5-139042679-T-C. GRCh37 (hg19) VCF-style: chr5-138378368-T-C.
Other names: c.394A>G, p.Lys132Glu (NM_001037633.2); short protein forms K132E.
Identifiers: ClinVar variation 4746546 (VCV004746546.1).

ClinVar aggregate classification (germline): Uncertain significance (1 of 4 stars; one submission).

Conditions:
Marinesco-Sjögren syndrome (MSS). Also called: Marinesco-SjÃ¶gren syndrome; Marinesco-Sjogren Syndrome. Identifiers: Orphanet 559, MedGen C0024814, MONDO:0009567, OMIM 248800.

Submission:

Labcorp Genetics (formerly Invitae), Labcorp
Classification: Uncertain significance for Marinesco-Sjögren syndrome. Last evaluated: 2025-03-10. Review status: criteria provided, single submitter. Criteria: Invitae Variant Classification Sherloc (09022015). Collection method: clinical testing. Allele origin: germline.
Comment: This sequence change replaces lysine, which is basic and polar, with glutamic acid, which is acidic and polar, at codon 132 of the SIL1 protein (p.Lys132Glu). This variant is not present in population databases (gnomAD no frequency). This variant has not been reported in the literature in individuals affected with SIL1-related conditions. Invitae Evidence Modeling of protein sequence and biophysical properties (such as structural, functional, and spatial information, amino acid conservation, physicochemical variation, residue mobility, and thermodynamic stability) indicates that this missense variant is not expected to disrupt SIL1 protein function with a negative predictive value of 80%. In summary, the available evidence is currently insufficient to determine the role of this variant in disease. Therefore, it has been classified as a Variant of Uncertain Significance.